The following is an entry in ClinVar:

ClinVar aggregate classification (germline): Benign. Review status: criteria provided, multiple submitters, no conflicts (2 of 4 stars). 2 submissions from 2 submitters: Benign (2). Last evaluated 2018-06-19.

Allele frequency attached by ClinVar (database versions not stated): 1000 Genomes Project 0.05671; 1000 Genomes Project 30x 0.06090; TOPMed 0.06595.
gnomAD v4.1: 12,136 of 614,318 alleles (2%); highest among the groups gnomAD compares: African/African-American, 19%; 1,028 homozygotes.

Submissions (2):

GeneDx
Classification: Benign. Last evaluated: 2018-06-19. Review status: criteria provided, single submitter. Criteria: GeneDx Variant Classification (06012015). Collection method: clinical testing. Allele origin: germline. Affected: yes.
Comment: This variant is considered likely benign or benign based on one or more of the following criteria: it is a conservative change, it occurs at a poorly conserved position in the protein, it is predicted to be benign by multiple in silico algorithms, and/or has population frequency not consistent with disease.

Breakthrough Genomics
Classification: Benign. Review status: criteria provided, single submitter. Criteria: ACMG Guidelines, 2015. Collection method: not provided. Allele origin: germline. Inheritance: Autosomal recessive inheritance. Affected: yes.

NM_198576.4(AGRN):c.4105+180C>A

Gene: AGRN (agrin; plus strand). Cytogenetic location: 1p36.33.
Variant type: single nucleotide variant.
Coding change: c.4105+180C>A on transcript NM_198576.4 (MANE Select); 180 bases into the intron after coding-DNA position 4105, C replaced by A.
Molecular consequence: intron variant.
Genome position (GRCh38, 1-based): chr1:1,048,545, C>A. VCF-style: chr1-1048545-C-A. GRCh37 (hg19) VCF-style: chr1-983925-C-A.
Other names: c.4105+180C>A (NM_001305275.2); c.3790+180C>A (NM_001364727.2).
Identifiers: ClinVar variation 678945 (VCV000678945.2), dbSNP rs113521698, ClinGen allele CA16760535.